The following is an entry in ClinVar:

NM_000834.5(GRIN2B):c.3581C>A (p.Pro1194His)

Gene: GRIN2B (glutamate ionotropic receptor NMDA type subunit 2B; minus strand). Cytogenetic location: 12p13.1.
Variant type: single nucleotide variant.
Coding change: c.3581C>A on transcript NM_000834.5 (MANE Select); coding-DNA position 3581, C replaced by A.
Protein change: p.Pro1194His; replaces proline 1194 with histidine.
Molecular consequence: missense variant.
Genome position (GRCh38, 1-based): chr12:13,563,657, G>T on the plus strand (C>A on the coding strand, the complement: GRIN2B is on the minus strand). VCF-style: chr12-13563657-G-T. GRCh37 (hg19) VCF-style: chr12-13716591-G-T.
Other names: short protein forms P1194H.
Identifiers: ClinVar variation 1496938 (VCV001496938.6), dbSNP rs1424106237, ClinGen allele CA383988290.

ClinVar aggregate classification (germline): Uncertain significance (1 of 4 stars; one submission).

Conditions:
Intellectual developmental disorder, autosomal dominant 6, with or without seizures. Also called: Intellectual disability, autosomal dominant 6; GRIN2B-related developmental delay, intellectual disability and autism spectrum disorder. Identifiers: Orphanet 589547, MedGen C3151411, MONDO:0013509, OMIM 613970.
Developmental and epileptic encephalopathy, 27 (DEE27). Also called: Epileptic encephalopathy, early infantile, 27; GRIN2B-Related Neurodevelopmental Disorder. Identifiers: Orphanet 3451, MedGen C4015316, MONDO:0014505, OMIM 616139.

Submission:

Labcorp Genetics (formerly Invitae), Labcorp
Classification: Uncertain significance for Developmental and epileptic encephalopathy, 27; Intellectual developmental disorder, autosomal dominant 6, with or without seizures. Last evaluated: 2022-07-05. Review status: criteria provided, single submitter. Criteria: Invitae Variant Classification Sherloc (09022015). Collection method: clinical testing. Allele origin: germline.
Comment: In summary, the available evidence is currently insufficient to determine the role of this variant in disease. Therefore, it has been classified as a Variant of Uncertain Significance. Advanced modeling of protein sequence and biophysical properties (such as structural, functional, and spatial information, amino acid conservation, physicochemical variation, residue mobility, and thermodynamic stability) performed at Invitae indicates that this missense variant is not expected to disrupt GRIN2B protein function. ClinVar contains an entry for this variant (Variation ID: 1496938). This variant has not been reported in the literature in individuals affected with GRIN2B-related conditions. This variant is not present in population databases (gnomAD no frequency). This sequence change replaces proline, which is neutral and non-polar, with histidine, which is basic and polar, at codon 1194 of the GRIN2B protein (p.Pro1194His).